The following is an entry in ClinVar:

ClinVar aggregate classification (germline): Conflicting classifications of pathogenicity. Review status: criteria provided, conflicting classifications (1 of 4 stars). 6 submissions from 6 submitters: Uncertain significance (5); Likely benign (1). Last evaluated 2025-09-06.

Conditions:
Autosomal recessive nonsyndromic hearing loss 23. Identifiers: Orphanet 90636, MedGen C1836027, MONDO:0012293, OMIM 609533.
PCDH15-related disorder. Also called: PCDH15-related condition; PCDH15-related disorders.

Allele frequency attached by ClinVar (database versions not stated): gnomAD exomes below 0.00001; TOPMed 0.00005; gnomAD 0.00004.

Submissions (6):

Labcorp Genetics (formerly Invitae), Labcorp
Classification: Likely benign. Last evaluated: 2025-09-06. Review status: criteria provided, single submitter. Criteria: Invitae Variant Classification Sherloc (09022015). Collection method: clinical testing. Allele origin: germline.

PreventionGenetics, part of Exact Sciences
Classification: Uncertain significance for PCDH15-related condition. Last evaluated: 2025-09-04. Review status: criteria provided, single submitter. Criteria: ACMG Guidelines, 2015. Collection method: clinical testing. Allele origin: germline.
Comment: The PCDH15 c.4864delA variant is predicted to result in a frameshift and premature protein termination (p.Ser1622Alafs*12). To our knowledge, this variant has not been reported in the literature. This variant is reported in 0.012% of alleles in individuals of African descent in gnomAD. This variant occurs in the last exon of the PCDH15 alternatively spliced transcript known as CD1 (NM_033056), but this exon is not required for proper inner ear hair cell function and maintenance of hearing and is not included in the biologically relevant transcript for hearing loss known as CD2 (NM_001142769; Webb et al. 2011. PubMed ID: 21427143; Pepermans et al. 2014. PubMed ID: 24940003). Furthermore, loss of function variants in this exon of CD1 have been shown to occur at population frequencies inconsistent with pathogenicity (Perreault-Micale et al. 2014. PubMed ID: 25307757). Although we suspect that this variant may be benign, at this time, the clinical significance of this variant is uncertain due to the absence of conclusive functional and genetic evidence.

Women's Health and Genetics/Laboratory Corporation of America, LabCorp
Classification: Uncertain significance. Last evaluated: 2023-01-17. Review status: criteria provided, single submitter. Criteria: LabCorp Variant Classification Summary - May 2015. Collection method: clinical testing. Allele origin: germline.
Comment: Variant summary: PCDH15 c.4864delA (p.Ser1622AlafsX12) results in a premature termination codon, predicted to cause a truncation of the encoded protein or absence of the protein due to nonsense mediated decay. Truncating variants in the last exon of PCDH15 have uncertain impact on protein function. The variant allele was found at a frequency of 4e-06 in 251440 control chromosomes. The available data on variant occurrences in the general population are insufficient to allow any conclusion about variant significance. To our knowledge, no occurrence of c.4864delA in individuals affected with Usher Syndrome Type 1F and no experimental evidence demonstrating its impact on protein function have been reported. Three clinical diagnostic laboratories have submitted clinical-significance assessments for this variant to ClinVar after 2014 without evidence for independent evaluation: likely benign (n=1), uncertain significance (n=2). Based on the evidence outlined above, the variant was classified as uncertain significance.

GeneDx
Classification: Uncertain significance. Last evaluated: 2022-11-01. Review status: criteria provided, single submitter. Criteria: GeneDx Variant Classification Process June 2021. Collection method: clinical testing. Allele origin: germline. Affected: yes.
Comment: Frameshift variant predicted to result in protein truncation, as the last 334 amino acids are replaced with 11 different amino acids, and other loss-of-function variants have been reported downstream in HGMD; Has not been previously published as pathogenic or benign to our knowledge

Blueprint Genetics
Classification: Uncertain significance. Last evaluated: 2022-09-01. Review status: criteria provided, single submitter. Criteria: ACMG Guidelines, 2015. Collection method: clinical testing. Allele origin: germline.

Center of Genomic medicine, Geneva, University Hospital of Geneva
Classification: Uncertain significance for Autosomal recessive nonsyndromic hearing loss 23. Last evaluated: 2019-10-08. Review status: criteria provided, single submitter. Criteria: ACMG Guidelines, 2015. Collection method: clinical testing. Allele origin: maternal. Affected: yes. Observed: 1 variant allele.

Literature cited by the submitters: PubMed 34440452 (cited by Women's Health and Genetics/Laboratory Corporation of America, LabCorp).

NM_033056.4(PCDH15):c.4864del (p.Ser1622fs)

Gene: PCDH15 (protocadherin related 15; minus strand). Cytogenetic location: 10q21.1.
Variant type: Deletion.
Coding change: c.4864del on transcript NM_033056.4 (MANE Plus Clinical); coding-DNA position 4864, one base deleted (A; older notation c.4864delA).
Protein change: p.Ser1622fs; shifts the reading frame from serine 1622.
Molecular consequence: frameshift variant. On other transcripts: intron variant (8).
Genome position (GRCh38, 1-based): chr10:53,822,862, T deleted on the plus strand (A on the coding strand, the reverse complement: PCDH15 is on the minus strand). VCF-style (leftmost placement, unchanged base first): chr10-53822861-CT-C. GRCh37 (hg19) VCF-style: chr10-55582621-CT-C.
Other names: c.4885delA (NM_001142763.2); c.4885del, p.Ser1629fs (NM_001142763.2); c.4870del, p.Ser1624fs (NM_001142764.2); c.4657del, p.Ser1553fs (NM_001142765.2); c.4855del, p.Ser1619fs (NM_001142766.2); c.4744del, p.Ser1582fs (NM_001142767.2); c.4804del, p.Ser1602fs (NM_001142768.2); c.4795del, p.Ser1599fs (NM_001142773.2); and 8 more; short protein forms S1622fs, S1600fs, S1602fs, S1619fs, S1553fs, S1582fs, S1599fs, S1624fs.
Identifiers: ClinVar variation 958021 (VCV000958021.17), dbSNP rs1393195833, ClinGen allele CA469547119.